The following is an entry in ClinVar:

NM_213599.3(ANO5):c.138+6C>G

Gene: ANO5 (anoctamin 5; plus strand). Cytogenetic location: 11p14.3.
Variant type: single nucleotide variant.
Coding change: c.138+6C>G on transcript NM_213599.3 (MANE Select); 6 bases into the intron after coding-DNA position 138, C replaced by G.
Molecular consequence: intron variant.
Genome position (GRCh38, 1-based): chr11:22,211,320, C>G. VCF-style: chr11-22211320-C-G. GRCh37 (hg19) VCF-style: chr11-22232866-C-G.
Other names: c.135+6C>G (NM_001142649.2).
Identifiers: ClinVar variation 597656 (VCV000597656.6), dbSNP rs1342335241, ClinGen allele CA597909624.

ClinVar aggregate classification (germline): Uncertain significance. Review status: criteria provided, multiple submitters, no conflicts (2 of 4 stars). 2 submissions from 2 submitters: Uncertain significance (2). Last evaluated 2019-06-13.

Conditions:
Autosomal recessive limb-girdle muscular dystrophy type 2L (LGMDR12). Also called: Limb-girdle muscular dystrophy, type 2L; MUSCULAR DYSTROPHY, LIMB-GIRDLE, AUTOSOMAL RECESSIVE 12; Limb-Girdle Muscular Dystrophy R12 Anoctamin-5-Related (LGMD-R12). Identifiers: Orphanet 206549, MedGen C1969785, MONDO:0012652, OMIM 611307.
Gnathodiaphyseal dysplasia (GDD). Also called: GNATHODIAPHYSEAL SCLEROSIS; OSTEOGENESIS IMPERFECTA WITH UNUSUAL SKELETAL LESIONS. Identifiers: Orphanet 53697, MedGen C1833736, MONDO:0008151, OMIM 166260.

Allele frequency attached by ClinVar (database versions not stated): gnomAD exomes below 0.00001; TOPMed 0.00001; gnomAD 0.00002.
gnomAD v4.1: 5 of 1,611,452 alleles (0.00031%); highest among the groups gnomAD compares: African/African-American, 0.0067%; no homozygotes.

Submissions (2):

Labcorp Genetics (formerly Invitae), Labcorp
Classification: Uncertain significance for Limb-girdle muscular dystrophy, type 2L; Gnathodiaphyseal dysplasia. Last evaluated: 2019-06-13. Review status: criteria provided, single submitter. Criteria: Invitae Variant Classification Sherloc (09022015). Collection method: clinical testing. Allele origin: germline.
Comment: This sequence change falls in intron 3 of the ANO5 gene. It does not directly change the encoded amino acid sequence of the ANO5 protein, but it affects a nucleotide within the consensus splice site of the intron. This variant is not present in population databases (ExAC no frequency). This variant has not been reported in the literature in individuals with ANO5-related conditions. ClinVar contains an entry for this variant (Variation ID: 597656). Nucleotide substitutions within the consensus splice site are a relatively common cause of aberrant splicing (PMID: 17576681, 9536098). Algorithms developed to predict the effect of sequence changes on RNA splicing suggest that this variant is not likely to affect RNA splicing, but this prediction has not been confirmed by published transcriptional studies. In summary, the available evidence is currently insufficient to determine the role of this variant in disease. Therefore, it has been classified as a Variant of Uncertain Significance.

Eurofins Ntd Llc (ga)
Classification: Uncertain significance. Last evaluated: 2018-06-20. Review status: criteria provided, single submitter. Criteria: EGL ClinVar v180209 classification definitions. Collection method: clinical testing. Allele origin: germline. Observed: 1 variant allele, 1 heterozygote.